The following is an entry in ClinVar:

NM_018365.4(MNS1):c.675AGA[1] (p.Glu226del)

Genes: MNS1 (meiosis specific nuclear structural 1; minus strand), TEX9 (testis expressed 9; plus strand). Cytogenetic location: 15q21.3.
Variant type: Microsatellite.
Coding change: c.675AGA[1] on transcript NM_018365.4 (MANE Select); one copy of the 3-base unit AGA starting at c.675; the reference has two copies in a row; one copy, 3 bases deleted.
Protein change: p.Glu226del; deletes glutamic acid 226.
Molecular consequence: inframe deletion. On other transcripts: intron variant (2).
Genome position (GRCh38, 1-based): chr15:56,444,450-56,444,452, TCT deleted on the plus strand (AGA on the coding strand, the reverse complement: MNS1 is on the minus strand); deleting any 3 consecutive bases within chr15:56,444,450-56,444,457 gives the same sequence; the position shown is the placement nearest the transcript's 3' end. VCF-style (leftmost placement, unchanged base first): chr15-56444449-ATCT-A. GRCh37 (hg19) VCF-style: chr15-56736647-ATCT-A.
Other names: c.*30-1216_*30-1214del (NM_001286449.2, NM_198524.3); short protein forms E226del.
Identifiers: ClinVar variation 2775454 (VCV002775454.3), dbSNP rs750221808, ClinGen allele CA7579497.

ClinVar aggregate classification (germline): Likely pathogenic. Review status: criteria provided, multiple submitters, no conflicts (2 of 4 stars). 2 submissions from 2 submitters: Likely pathogenic (2). Last evaluated 2026-05-01.

Conditions:
Heterotaxy, visceral, 9, autosomal, with male infertility. Identifiers: MedGen C5394551, MONDO:0030070, OMIM 618948.

Submissions (2):

CeGaT Center for Human Genetics Tuebingen
Classification: Likely pathogenic. Last evaluated: 2026-05-01. Review status: criteria provided, single submitter. Criteria: CeGaT Center For Human Genetics Tuebingen Variant Classification Criteria Version 2. Collection method: clinical testing. Allele origin: germline. Affected: yes. Observed: 1 variant allele.
Comment: MNS1: PM3:Strong, PM2, PM4:Supporting

Groupe Hospitalier Pitie Salpetriere, Uf Genomique Du Developpement, Assistance Publique Hopitaux de Paris Sorbonne Université
Classification: Likely pathogenic for Heterotaxy, visceral, 9, autosomal, with male infertility. Last evaluated: 2024-02-05. Review status: criteria provided, single submitter. Criteria: ACMG Guidelines, 2015. Collection method: clinical testing. Allele origin: biparental. Inheritance: Autosomal recessive inheritance. Affected: yes. Observed: 2 variant alleles.
Comment: concordant phenotype (abdominal heterotaxy, situs inversus), variant deleting a highly conserved residue, cosegregation of the homozygous variant in an affected sibling.